The following is an entry in ClinVar:

NM_000557.5(GDF5):c.994G>C (p.Ala332Pro)

Genes: GDF5 (growth differentiation factor 5; minus strand), GDF5-AS1 (GDF5 antisense RNA 1; plus strand). Cytogenetic location: 20q11.22.
Variant type: single nucleotide variant.
Coding change: c.994G>C on transcript NM_000557.5 (MANE Select); coding-DNA position 994, G replaced by C.
Protein change: p.Ala332Pro; replaces alanine 332 with proline.
Molecular consequence: missense variant. On other transcripts: non-coding transcript variant (1).
Genome position (GRCh38, 1-based): chr20:35,434,421, C>G on the plus strand (G>C on the coding strand, the complement: GDF5 is on the minus strand). VCF-style: chr20-35434421-C-G. GRCh37 (hg19) VCF-style: chr20-34022219-C-G.
Other names: c.994G>C, p.Ala332Pro (NM_001319138.2); short protein forms A332P.
Identifiers: ClinVar variation 3717584 (VCV003717584.2).
Genomic context (GRCh38, chr20:35,434,421, plus strand): 5'-CCCGTTTCTTGGTGCGGCCAAACACCAGGAACAGGGCTTTCTCGTGGACCTGCCGGGCGG[C>G]GCGGTCGAAGCCCAGGCCACGGAGGTCCACGGCCCTGCCCCGTTCCCAGGCCTCCAGCTC-3'
Protein context (NP_000548.2, residues 322-342): VDLRGLGFDR[Ala332Pro]ARQVHEKALF

ClinVar aggregate classification (germline): Uncertain significance (1 of 4 stars; one submission).

Submission:

Labcorp Genetics (formerly Invitae), Labcorp
Classification: Uncertain significance. Last evaluated: 2024-09-16. Review status: criteria provided, single submitter. Criteria: Invitae Variant Classification Sherloc (09022015). Collection method: clinical testing. Allele origin: germline.
Comment: This sequence change replaces alanine, which is neutral and non-polar, with proline, which is neutral and non-polar, at codon 332 of the GDF5 protein (p.Ala332Pro). This variant is not present in population databases (gnomAD no frequency). This variant has not been reported in the literature in individuals affected with GDF5-related conditions. Invitae Evidence Modeling of protein sequence and biophysical properties (such as structural, functional, and spatial information, amino acid conservation, physicochemical variation, residue mobility, and thermodynamic stability) indicates that this missense variant is not expected to disrupt GDF5 protein function with a negative predictive value of 80%. In summary, the available evidence is currently insufficient to determine the role of this variant in disease. Therefore, it has been classified as a Variant of Uncertain Significance.